The following is an entry in ClinVar:

NM_001367624.2(ZNF469):c.2740G>T (p.Gly914Trp)

Gene: ZNF469 (zinc finger protein 469; plus strand). Cytogenetic location: 16q24.2.
Variant type: single nucleotide variant.
Coding change: c.2740G>T on transcript NM_001367624.2 (MANE Select); coding-DNA position 2740, G replaced by T.
Protein change: p.Gly914Trp; replaces glycine 914 with tryptophan.
Molecular consequence: missense variant.
Genome position (GRCh38, 1-based): chr16:88,430,210, G>T. VCF-style: chr16-88430210-G-T. GRCh37 (hg19) VCF-style: chr16-88496618-G-T.
Other names: NM_001127464.1:c.2740G>T; short protein forms G914W.
Identifiers: ClinVar variation 3774814 (VCV003774814.1).

ClinVar aggregate classification (germline): Uncertain significance (1 of 4 stars; one submission).

Submission:

GeneDx
Classification: Uncertain significance. Last evaluated: 2024-09-30. Review status: criteria provided, single submitter. Criteria: GeneDx Variant Classification Process June 2021. Collection method: clinical testing. Allele origin: germline. Affected: yes.
Comment: Not observed at significant frequency in large population cohorts (gnomAD); In silico analysis indicates that this missense variant does not alter protein structure/function; Has not been previously published as pathogenic or benign to our knowledge